The following is an entry in ClinVar:

ClinVar aggregate classification (germline): Uncertain significance (1 of 4 stars; one submission).

gnomAD v4.1: 3 of 1,206,825 alleles (0.00025%); highest among the groups gnomAD compares: African/African-American, 0.0017%; no homozygotes.

Submission:

GeneDx
Classification: Uncertain significance. Last evaluated: 2024-08-06. Review status: criteria provided, single submitter. Criteria: GeneDx Variant Classification Process June 2021. Collection method: clinical testing. Allele origin: germline. Affected: yes.
Comment: Not observed at significant frequency in large population cohorts (gnomAD); In silico analysis supports that this missense variant has a deleterious effect on protein structure/function; Has not been previously published as pathogenic or benign to our knowledge

NM_002024.6(FMR1):c.311A>G (p.Asn104Ser)

Gene: FMR1 (fragile X messenger ribonucleoprotein 1; plus strand). Cytogenetic location: Xq27.3.
Variant type: single nucleotide variant.
Coding change: c.311A>G on transcript NM_002024.6 (MANE Select); coding-DNA position 311, A replaced by G.
Protein change: p.Asn104Ser; replaces asparagine 104 with serine.
Molecular consequence: missense variant. On other transcripts: non-coding transcript variant (2).
Genome position (GRCh38, 1-based): chrX:147,928,699, A>G. VCF-style: chrX-147928699-A-G. GRCh37 (hg19) VCF-style: chrX-147010217-A-G.
Other names: c.311A>G, p.Asn104Ser (NM_001185075.2, NM_001185076.2, NM_001185081.2 and 1 more transcripts); short protein forms N104S.
Identifiers: ClinVar variation 3602956 (VCV003602956.1).